The following is an entry in ClinVar:

NM_001277115.2(DNAH11):c.12890G>A (p.Arg4297Gln)

Gene: DNAH11 (dynein axonemal heavy chain 11; plus strand). Cytogenetic location: 7p15.3.
Variant type: single nucleotide variant.
Coding change: c.12890G>A on transcript NM_001277115.2 (MANE Select); coding-DNA position 12890, G replaced by A.
Protein change: p.Arg4297Gln; replaces arginine 4297 with glutamine.
Molecular consequence: missense variant.
Genome position (GRCh38, 1-based): chr7:21,894,762, G>A. VCF-style: chr7-21894762-G-A. GRCh37 (hg19) VCF-style: chr7-21934380-G-A.
Other names: c.12911G>A, p.Arg4304Gln (NM_003777.3); short protein forms R4297Q, R4304Q.
Identifiers: ClinVar variation 2485744 (VCV002485744.5), dbSNP rs780660397, ClinGen allele CA4183208.

ClinVar aggregate classification (germline): Conflicting classifications of pathogenicity. Review status: criteria provided, conflicting classifications (1 of 4 stars). 2 submissions from 2 submitters: Uncertain significance (1); Benign (1). Last evaluated 2024-02-08.

Conditions:
Primary ciliary dyskinesia. Also called: Ciliary dyskinesia. Identifiers: Orphanet 244, MedGen C0008780, MONDO:0016575, HP:0012265.

Allele frequency attached by ClinVar (database versions not stated): gnomAD 0.00001; gnomAD exomes 0.00001; ExAC 0.00002; TOPMed 0.00002.
gnomAD v4.1: 17 of 1,612,166 alleles (0.0011%); highest among the groups gnomAD compares: South Asian, 0.0033%; no homozygotes.

Submissions (2):

Labcorp Genetics (formerly Invitae), Labcorp
Classification: Benign for Primary ciliary dyskinesia. Last evaluated: 2024-02-08. Review status: criteria provided, single submitter. Criteria: Invitae Variant Classification Sherloc (09022015). Collection method: clinical testing. Allele origin: germline.

Ambry Genetics
Classification: Uncertain significance for Primary ciliary dyskinesia. Last evaluated: 2023-08-11. Review status: criteria provided, single submitter. Criteria: Ambry Variant Classification Scheme 2023. Collection method: clinical testing. Allele origin: germline.
Comment: The p.R4297Q variant (also known as c.12890G>A), located in coding exon 78 of the DNAH11 gene, results from a G to A substitution at nucleotide position 12890. The arginine at codon 4297 is replaced by glutamine, an amino acid with highly similar properties. This amino acid position is conserved. In addition, this alteration is predicted to be tolerated by in silico analysis. Since supporting evidence is limited at this time, the clinical significance of this alteration remains unclear.